The following is an entry in ClinVar:

NM_014305.4(TGDS):c.957T>C (p.Pro319=)

Gene: TGDS (TDP-glucose 4,6-dehydratase; minus strand). Cytogenetic location: 13q32.1.
Variant type: single nucleotide variant.
Coding change: c.957T>C on transcript NM_014305.4 (MANE Select); coding-DNA position 957, T replaced by C.
Protein change: p.Pro319=; no amino-acid change (proline 319 retained).
Molecular consequence: synonymous variant. On other transcripts: non-coding transcript variant (2).
Genome position (GRCh38, 1-based): chr13:94,576,339, A>G on the plus strand (T>C on the coding strand, the complement: TGDS is on the minus strand). VCF-style: chr13-94576339-A-G. GRCh37 (hg19) VCF-style: chr13-95228593-A-G.
Other names: c.861T>C, p.Pro287= (NM_001304430.2); c.957T>C (NM_014305.3).
Identifiers: ClinVar variation 1575281 (VCV001575281.10), dbSNP rs141222845, ClinGen allele CA7017864.

ClinVar aggregate classification (germline): Likely benign. Review status: criteria provided, single submitter (1 of 4 stars). 2 submissions from 2 submitters: Likely benign (1). 1 of the submissions does not count toward it. Last evaluated 2024-12-02.

Conditions:
TGDS-related disorder. Also called: TGDS-related condition.

Allele frequency attached by ClinVar (database versions not stated): gnomAD exomes 0.00011; TOPMed 0.00015; ExAC 0.00016; gnomAD 0.00016; 1000 Genomes Project 0.00020; ESP Exome Variant Server 0.00038; 1000 Genomes Project 30x 0.00031.
gnomAD v4.1: 333 of 1,603,626 alleles (0.021%); highest among the groups gnomAD compares: Non-Finnish European, 0.027%; 1 homozygote.

Submissions (2):

Labcorp Genetics (formerly Invitae), Labcorp
Classification: Likely benign. Last evaluated: 2024-12-02. Review status: criteria provided, single submitter. Criteria: Invitae Variant Classification Sherloc (09022015). Collection method: clinical testing. Allele origin: germline.

PreventionGenetics, part of Exact Sciences
Classification: Likely benign for TGDS-related condition. Last evaluated: 2019-11-08. Review status: no assertion criteria provided. Collection method: clinical testing. Allele origin: germline. Not counted in ClinVar's aggregate classification.
Comment: This variant is classified as likely benign based on ACMG/AMP sequence variant interpretation guidelines (Richards et al. 2015 PMID: 25741868, with internal and published modifications).